The following is an entry in ClinVar:

ClinVar aggregate classification (germline): Uncertain significance. Review status: criteria provided, multiple submitters, no conflicts (2 of 4 stars). 6 submissions from 6 submitters: Uncertain significance (6). Last evaluated 2025-09-23.

Conditions:
Inborn genetic diseases. Identifiers: MedGen C0950123, MeSH D030342.
Charcot-Marie-Tooth disease type 4. Also called: Charcot-Marie-Tooth disease, type IV; Charcot-Marie-Tooth, Type 4. Identifiers: Orphanet 64749, MedGen C4082197, MONDO:0018995.
Charcot-Marie-Tooth disease type 4H (CMT4H). Also called: CHARCOT-MARIE-TOOTH NEUROPATHY, TYPE 4H; CHARCOT-MARIE-TOOTH DISEASE, DEMYELINATING, TYPE 4H; CHARCOT-MARIE-TOOTH DISEASE, AUTOSOMAL RECESSIVE, TYPE 4H; CHARCOT-MARIE-TOOTH DISEASE, DEMYELINATING, AUTOSOMAL RECESSIVE, TYPE 4H. Identifiers: Orphanet 99954, MedGen C1836336, MONDO:0012250, OMIM 609311.

Allele frequency attached by ClinVar (database versions not stated): ESP Exome Variant Server 0.00008; ExAC 0.00013; gnomAD exomes 0.00013; gnomAD 0.00008; TOPMed 0.00012.
gnomAD v4.1: 200 of 1,613,814 alleles (0.012%); highest among the groups gnomAD compares: Middle Eastern, 0.016%; no homozygotes.

Submissions (6):

Ambry Genetics
Classification: Uncertain significance for Inborn genetic diseases. Last evaluated: 2025-09-23. Review status: criteria provided, single submitter. Criteria: Ambry Variant Classification Scheme 2023. Collection method: clinical testing. Allele origin: germline.

Athena Diagnostics
Classification: Uncertain significance. Last evaluated: 2024-11-07. Review status: criteria provided, single submitter. Criteria: Athena Diagnostics Criteria. Collection method: clinical testing. Allele origin: unknown.
Comment: Available data are insufficient to determine the clinical significance of the variant at this time. The frequency of this variant in the general population is uninformative in assessment of its pathogenicity. Polyphen and MutationTaster predict this amino acid change may be benign.

Mayo Clinic Laboratories, Mayo Clinic
Classification: Uncertain significance. Last evaluated: 2024-01-09. Review status: criteria provided, single submitter. Criteria: ACMG Guidelines, 2015. Collection method: clinical testing. Allele origin: germline. Observed: 1 variant allele.
Comment: BP4, PM2_moderate

Labcorp Genetics (formerly Invitae), Labcorp
Classification: Uncertain significance for Charcot-Marie-Tooth disease type 4. Last evaluated: 2022-09-13. Review status: criteria provided, single submitter. Criteria: Invitae Variant Classification Sherloc (09022015). Collection method: clinical testing. Allele origin: germline.
Comment: This sequence change replaces proline, which is neutral and non-polar, with arginine, which is basic and polar, at codon 17 of the FGD4 protein (p.Pro17Arg). This variant is present in population databases (rs371407163, gnomAD 0.02%). This missense change has been observed in individual(s) with Charcot-Marie-Tooth disease (PMID: 32376792). ClinVar contains an entry for this variant (Variation ID: 246146). Algorithms developed to predict the effect of missense changes on protein structure and function (SIFT, PolyPhen-2, Align-GVGD) all suggest that this variant is likely to be tolerated. In summary, the available evidence is currently insufficient to determine the role of this variant in disease. Therefore, it has been classified as a Variant of Uncertain Significance.

Illumina Laboratory Services, Illumina
Classification: Uncertain significance for Charcot-Marie-Tooth disease type 4H. Last evaluated: 2018-01-12. Review status: criteria provided, single submitter. Criteria: ICSL Variant Classification Criteria 13 December 2019. Collection method: clinical testing. Allele origin: germline.

GeneDx
Classification: Uncertain significance. Last evaluated: 2018-01-02. Review status: criteria provided, single submitter. Criteria: GeneDx Variant Classification (06012015). Collection method: clinical testing. Allele origin: germline. Affected: yes.
Comment: A variant of uncertain significance has been identified in the FGD4 gene. The P17R variant has notbeen published as a pathogenic variant, nor has it been reported as a benign variant to our knowledge. The P17R variant is observed in 29/126,648 (0.02%) alleles from individuals of European background in large population cohorts (Lek et al., 2016). The P17R variant is a non-conservative amino acid substitution, which is likely to impact secondary protein structure as these residues differ in polarity, charge, size and/or other properties. In-silico analyses, including protein predictors and evolutionary conservation, support that this variant does not alter protein structure/function. Therefore, based on the currently available information, it is unclear whether this variant is a pathogenic variant or a rarebenign variant.

Literature cited by the submitters: PubMed 32376792 (cited by Mayo Clinic Laboratories, Mayo Clinic and Labcorp Genetics (formerly Invitae), Labcorp).

NM_001370298.3(FGD4):c.461C>G (p.Pro154Arg)

Gene: FGD4 (FYVE, RhoGEF and PH domain containing 4; plus strand). Cytogenetic location: 12p11.21.
Variant type: single nucleotide variant.
Coding change: c.461C>G on transcript NM_001370298.3 (MANE Select); coding-DNA position 461, C replaced by G.
Protein change: p.Pro154Arg; replaces proline 154 with arginine.
Molecular consequence: missense variant. On other transcripts: 5 prime UTR variant (2), intron variant (4).
Genome position (GRCh38, 1-based): chr12:32,576,407, C>G. VCF-style: chr12-32576407-C-G. GRCh37 (hg19) VCF-style: chr12-32729341-C-G.
Other names: p.Pro17Arg; c.305C>G, p.Pro102Arg (NM_001304481.2); c.-795C>G (NM_001304483.2); c.-1102C>G (NM_001304484.2); c.461C>G, p.Pro154Arg (NM_001384126.1); c.50C>G, p.Pro17Arg (NM_001384127.1, NM_001384128.1, NM_001384131.1 and 3 more transcripts); c.-187-5553C>G (NM_001330374.2, NM_001330373.2, NM_001384130.1); c.48+12118C>G (NM_001370297.1); short protein forms P17R, P102R, P154R.
Identifiers: ClinVar variation 246146 (VCV000246146.15), dbSNP rs371407163, ClinGen allele CA6506562.
Genomic context (GRCh38, chr12:32,576,407, plus strand): 5'-CAAAACCAAGGATGGAGGAAATTAAACCTGCCTCTGCTTCTTGTGTCTCAAAAGAAAAAC[C>G]CAGTAAGGTATCAGATCTCATCAGTCGCTTTGAAGGAGGCAGGTAAGAGCTAATTTACAA-3'
Protein context (NP_001357227.2, residues 144-164): ASASCVSKEK[Pro154Arg]SKVSDLISRF